The following is an entry in ClinVar:

NM_000257.4(MYH7):c.3438C>T (p.Ile1146=)

Gene: MYH7 (myosin heavy chain 7; minus strand). Cytogenetic location: 14q11.2.
Variant type: single nucleotide variant.
Coding change: c.3438C>T on transcript NM_000257.4 (MANE Select); coding-DNA position 3438, C replaced by T.
Protein change: p.Ile1146=; no amino-acid change (isoleucine 1146 retained).
Molecular consequence: synonymous variant.
Genome position (GRCh38, 1-based): chr14:23,420,133, G>A on the plus strand (C>T on the coding strand, the complement: MYH7 is on the minus strand). VCF-style: chr14-23420133-G-A. GRCh37 (hg19) VCF-style: chr14-23889342-G-A.
Identifiers: ClinVar variation 227596 (VCV000227596.13), dbSNP rs876657519, ClinGen allele CA10576955.
Genomic context (GRCh38, chr14:23,420,133, plus strand): 5'-CTTCTTGTTCATCTCGATCTGCACGGACGTGGCCCCGCCGGCCTCTTCCAGCCGCTCGCT[G>A]ATCTCCTCCAGCTCCCGAGACAGGTCTGAGCGCAGCTTCTCCACCTTAGCCCTGGCGGTG-3'
Protein context (NP_000248.2, residues 1136-1156): RSDLSRELEE[Ile1146=]SERLEEAGGA

ClinVar aggregate classification (germline): Likely benign. Review status: criteria provided, multiple submitters, no conflicts (2 of 4 stars). 4 submissions from 4 submitters: Likely benign (4). Last evaluated 2025-08-18.

Conditions:
Cardiomyopathy (CMYO). Also called: Cardiomyopathies. Identifiers: Orphanet 167848, MedGen C0878544, MONDO:0004994, HP:0001638. Inheritance: Various modes of inheritance.
Hypertrophic cardiomyopathy. Also called: HYPERTROPHIC MYOCARDIOPATHY. Identifiers: Orphanet 217569, MedGen C0007194, MeSH D002312, MONDO:0005045, HP:0001639.

Allele frequency attached by ClinVar (database versions not stated): gnomAD exomes 0.00001.
gnomAD v4.1: 3 of 1,606,440 alleles (0.00019%); highest among the groups gnomAD compares: Non-Finnish European, 0.00025%; no homozygotes.

Submissions (4):

Labcorp Genetics (formerly Invitae), Labcorp
Classification: Likely benign for Hypertrophic cardiomyopathy. Last evaluated: 2025-08-18. Review status: criteria provided, single submitter. Criteria: Invitae Variant Classification Sherloc (09022015). Collection method: clinical testing. Allele origin: germline.

All of Us Research Program, National Institutes of Health
Classification: Likely benign for Cardiomyopathy. Last evaluated: 2024-05-14. Review status: criteria provided, single submitter. Criteria: ACMG Guidelines, 2015. Collection method: clinical testing. Allele origin: germline. Inheritance: Autosomal dominant inheritance. Observed: 1 variant allele, 1 heterozygote.
Comment: This study involves interpretation of variants in research participants for the purpose of population health screening. Participant phenotype was not available at the time of variant classification. Additional details can be found in publication PMID: 35346344, PMCID: PMC8962531

Color Diagnostics, LLC DBA Color Health
Classification: Likely benign for Cardiomyopathy. Last evaluated: 2024-03-10. Review status: criteria provided, single submitter. Criteria: ACMG Guidelines, 2015. Collection method: clinical testing. Allele origin: germline.

Laboratory for Molecular Medicine, Mass General Brigham Personalized Medicine
Classification: Likely benign. Last evaluated: 2015-11-19. Review status: criteria provided, single submitter. Criteria: LMM Criteria. Collection method: clinical testing. Allele origin: germline. Observed: 1 variant allele.
Comment: p.Ile1146Ile in exon 27 of MYH7: This variant is not expected to have clinical s ignificance because it does not alter an amino acid residue and is not located w ithin the splice consensus sequence.